The following is an entry in ClinVar:

NM_177433.3(MAGED2):c.1490C>T (p.Ala497Val)

Gene: MAGED2 (MAGE family member D2; plus strand). Cytogenetic location: Xp11.21.
Variant type: single nucleotide variant.
Coding change: c.1490C>T on transcript NM_177433.3 (MANE Select); coding-DNA position 1490, C replaced by T.
Protein change: p.Ala497Val; replaces alanine 497 with valine.
Molecular consequence: missense variant.
Genome position (GRCh38, 1-based): chrX:54,815,351, C>T. VCF-style: chrX-54815351-C-T. GRCh37 (hg19) VCF-style: chrX-54841784-C-T.
Other names: c.1490C>T, p.Ala497Val (NM_014599.6, NM_201222.3); short protein forms A497V.
Identifiers: ClinVar variation 2025001 (VCV002025001.4), dbSNP rs2519311052, ClinGen allele CA413276307.
Genomic context (GRCh38, chrX:54,815,351, plus strand): 5'-AGGCGATGGAAGCGGATTTGAAGGCTGCAGCTGAGGCTGCAGCTGAAGCCAAGGCTAGGG[C>T]CGAGATTAGAGCTCGAATGGGCATTGGGCTCGGCTCGGAGAATGCTGCCGGGCCCTGCAA-3'
Protein context (NP_803182.1, residues 487-507): AEAAAEAKAR[Ala497Val]EIRARMGIGL

ClinVar aggregate classification (germline): Uncertain significance (1 of 4 stars; one submission).

Submission:

Labcorp Genetics (formerly Invitae), Labcorp
Classification: Uncertain significance. Last evaluated: 2022-11-22. Review status: criteria provided, single submitter. Criteria: Invitae Variant Classification Sherloc (09022015). Collection method: clinical testing. Allele origin: germline.
Comment: In summary, the available evidence is currently insufficient to determine the role of this variant in disease. Therefore, it has been classified as a Variant of Uncertain Significance. Algorithms developed to predict the effect of missense changes on protein structure and function (SIFT, PolyPhen-2, Align-GVGD) all suggest that this variant is likely to be disruptive. This variant has not been reported in the literature in individuals affected with MAGED2-related conditions. This variant is not present in population databases (gnomAD no frequency). This sequence change replaces alanine, which is neutral and non-polar, with valine, which is neutral and non-polar, at codon 497 of the MAGED2 protein (p.Ala497Val).